The following is an entry in ClinVar:

ClinVar aggregate classification (germline): Uncertain significance (1 of 4 stars; one submission).

Conditions:
MICU1-related disorder. Also called: MICU1-related condition.

gnomAD v4.1: 2 of 1,231,538 alleles (0.00016%); highest among the groups gnomAD compares: Admixed American, 0.0084%; no homozygotes.

Submission:

PreventionGenetics, part of Exact Sciences
Classification: Uncertain significance for MICU1-related condition. Last evaluated: 2025-06-16. Review status: criteria provided, single submitter. Criteria: ACMG Guidelines, 2015. Collection method: clinical testing. Allele origin: germline.
Comment: The MICU1 c.538-1G>A variant is predicted to disrupt the AG splice acceptor site and interfere with normal splicing. This variant can also be denoted as the deep intronic variant c.537+8999G>A in transcript NM_006077.3. To our knowledge, this variant has not been reported in the literature or in a large population database (gnomAD), indicating this variant is rare. At this time, the clinical significance of this variant is uncertain due to the absence of conclusive functional and genetic evidence.

NM_001195518.2(MICU1):c.537+8999G>A

Gene: MICU1 (mitochondrial calcium uptake 1; minus strand). Cytogenetic location: 10q22.1.
Variant type: single nucleotide variant.
Coding change: c.537+8999G>A on transcript NM_001195518.2 (MANE Select); 8999 bases into the intron after coding-DNA position 537, G replaced by A.
Molecular consequence: intron variant. On other transcripts: splice acceptor variant (1).
Genome position (GRCh38, 1-based): chr10:72,524,747, C>T on the plus strand (G>A on the coding strand, the complement: MICU1 is on the minus strand). VCF-style: chr10-72524747-C-T. GRCh37 (hg19) VCF-style: chr10-74284505-C-T.
Other names: c.204+8999G>A (NM_001441228.1); c.438+8999G>A (NM_001441226.1); c.537+8999G>A (NM_001441229.1, NM_001441227.1, NM_001441224.1 and 6 more transcripts); c.-33+8999G>A (NM_001441233.1); c.-169+8999G>A (NM_001441231.1); c.538-1G>A (NM_001363513.2); c.768+6713G>A (NM_001441218.1); c.42+6713G>A (NM_001441230.1); and 1 more.
Identifiers: ClinVar variation 4997343 (VCV004997343.1).